The following is an entry in ClinVar:

NM_019066.5(MAGEL2):c.989C>T (p.Ala330Val)

Gene: MAGEL2 (MAGE family member L2; minus strand). Cytogenetic location: 15q11.2.
Variant type: single nucleotide variant.
Coding change: c.989C>T on transcript NM_019066.5 (MANE Select); coding-DNA position 989, C replaced by T.
Protein change: p.Ala330Val; replaces alanine 330 with valine.
Molecular consequence: missense variant.
Genome position (GRCh38, 1-based): chr15:23,646,754, G>A on the plus strand (C>T on the coding strand, the complement: MAGEL2 is on the minus strand). VCF-style: chr15-23646754-G-A. GRCh37 (hg19) VCF-style: chr15-23891901-G-A.
Other names: short protein forms A330V.
Identifiers: ClinVar variation 4681016 (VCV004681016.2).

ClinVar aggregate classification (germline): Uncertain significance (1 of 4 stars; one submission).

gnomAD v4.1: 3 of 1,535,054 alleles (0.0002%); highest among the groups gnomAD compares: East Asian, 0.0024%; no homozygotes.

Submission:

GeneDx
Classification: Uncertain significance. Last evaluated: 2026-05-15. Review status: criteria provided, single submitter. Criteria: GeneDx Variant Classification Process June 2021. Collection method: clinical testing. Allele origin: germline.
Comment: Not observed at significant frequency in large population cohorts (gnomAD); Has not been previously published as pathogenic or benign to our knowledge; In silico analysis does not support a benign or deleterious effect of this variant on protein structure/function